The following is an entry in ClinVar:

ClinVar aggregate classification (germline): Pathogenic (1 of 4 stars; one submission).

Conditions:
Intellectual developmental disorder with seizures and language delay (IDDSELD). Identifiers: MedGen C5436574, MONDO:0033559, OMIM 619000.

Submission:

Genetics Laboratory, UDIAT-Centre Diagnòstic, Hospital Universitari Parc Tauli
Classification: Pathogenic for intellectual developmental disorder with seizures and language delay. Last evaluated: 2023-02-06. Review status: criteria provided, single submitter. Criteria: ACMG Guidelines, 2015. Collection method: clinical testing. Allele origin: unknown. Inheritance: Autosomal dominant inheritance. Affected: yes.
Comment: PVS1_very strong;PM2_supporting;PM6_moderate

NM_001353345.2(SETD1B):c.2358dup (p.Thr787fs)

Gene: SETD1B (SET domain containing 1B, histone lysine methyltransferase; plus strand). Cytogenetic location: 12q24.31.
Variant type: Duplication.
Coding change: c.2358dup on transcript NM_001353345.2 (MANE Select); coding-DNA position 2358, one base duplicated (G; older notation c.2358dupG).
Protein change: p.Thr787fs; shifts the reading frame from threonine 787.
Molecular consequence: frameshift variant.
Genome position (GRCh38, 1-based): chr12:121,814,573, G duplicated. VCF-style (leftmost placement, unchanged base first): chr12-121814572-T-TG. GRCh37 (hg19) VCF-style: chr12-122252478-T-TG.
Other names: short protein forms T787fs.
Identifiers: ClinVar variation 3897602 (VCV003897602.1).
Genomic context (GRCh38, chr12:121,814,572, plus strand): 5'-GCCAGTGGGGCGGCATGCCCATGTCCTTCCAGATGCAAACGCAGGTGCTCAGCCGGCTGA[T>TG]GACGGGCCAGGGCGCCTGCCCCTACCCGCCCTTCATGGCCGCTGCGGCCGCCGCTGCCTC-3'